The following is an entry in ClinVar:

ClinVar aggregate classification (germline): Pathogenic (1 of 4 stars; one submission).

Conditions:
Primary ciliary dyskinesia. Also called: Ciliary dyskinesia. Identifiers: Orphanet 244, MedGen C0008780, MONDO:0016575, HP:0012265.

Submission:

Labcorp Genetics (formerly Invitae), Labcorp
Classification: Pathogenic for Primary ciliary dyskinesia. Last evaluated: 2019-11-20. Review status: criteria provided, single submitter. Criteria: Invitae Variant Classification Sherloc (09022015). Collection method: clinical testing. Allele origin: germline.
Comment: For these reasons, this variant has been classified as Pathogenic. Loss-of-function variants in DRC1 are known to be pathogenic (PMID: 23354437). This variant has not been reported in the literature in individuals with DRC1-related conditions. This variant is not present in population databases (ExAC no frequency). This sequence change creates a premature translational stop signal (p.Asn442Metfs*16) in the DRC1 gene. It is expected to result in an absent or disrupted protein product.

Literature cited by the submitters: PubMed 23354437.

NM_145038.5(DRC1):c.1325del (p.Asn442fs)

Gene: DRC1 (dynein regulatory complex subunit 1; plus strand). Cytogenetic location: 2p23.3.
Variant type: Deletion.
Coding change: c.1325del on transcript NM_145038.5 (MANE Select); coding-DNA position 1325, one base deleted (A; older notation c.1325delA).
Protein change: p.Asn442fs; shifts the reading frame from asparagine 442.
Molecular consequence: frameshift variant.
Genome position (GRCh38, 1-based): chr2:26,444,877, A deleted; the last of 2 consecutive A bases (chr2:26,444,876-26,444,877); deleting either gives the same sequence. VCF-style (leftmost placement, unchanged base first): chr2-26444875-CA-C. GRCh37 (hg19) VCF-style: chr2-26667743-CA-C.
Other names: short protein forms N442fs.
Identifiers: ClinVar variation 837206 (VCV000837206.8), dbSNP rs1663812465, ClinGen allele CA916082519.